The following is an entry in ClinVar:

NC_000019.9:g.(?_1398895)_(1401475_?)del

Gene: GAMT (guanidinoacetate N-methyltransferase; minus strand). Cytogenetic location: 19p13.3.
Variant type: Deletion.
Identifiers: ClinVar variation 1454624 (VCV001454624.6).

ClinVar aggregate classification (germline): Pathogenic (1 of 4 stars; one submission).

Conditions:
Cerebral creatine deficiency syndrome. Also called: Creatine deficiency syndromes. Identifiers: Orphanet 79172, MedGen C5244016, MONDO:0000456.

Submission:

Labcorp Genetics (formerly Invitae), Labcorp
Classification: Pathogenic for Cerebral creatine deficiency syndrome. Last evaluated: 2023-09-10. Review status: criteria provided, single submitter. Criteria: Invitae Variant Classification Sherloc (09022015). Collection method: clinical testing. Allele origin: germline.
Comment: This variant has not been reported in the literature in individuals affected with GAMT-related conditions. This variant is a gross deletion of the genomic region encompassing exon(s) 1-5 of the GAMT gene, which includes the initiator codon. This deletion extends beyond the assayed region for this gene and therefore may encompass additional genes. It is expected to result in an absent or disrupted protein product. Loss-of-function variants in GAMT are known to be pathogenic (PMID: 15108290). For these reasons, this variant has been classified as Pathogenic.

Literature cited by the submitters: PubMed 15108290.